The following is an entry in ClinVar:

ClinVar aggregate classification (germline): Uncertain significance. Review status: criteria provided, multiple submitters, no conflicts (2 of 4 stars). 4 submissions from 4 submitters: Uncertain significance (3). 1 of the submissions does not count toward it. Last evaluated 2021-11-15.

Conditions:
Renal cysts and diabetes syndrome (RCAD). Also called: MATURITY-ONSET DIABETES OF THE YOUNG, TYPE 5; Familial hypoplastic, glomerulocystic kidney. Identifiers: Orphanet 93111, MedGen C0431693, MONDO:0007669, OMIM 137920.
Nonpapillary renal cell carcinoma. Identifiers: Orphanet 422526, MedGen CN074294, MONDO:0007763, OMIM 144700.
Type 2 diabetes mellitus. Also called: Type II diabetes mellitus. Identifiers: MedGen C0011860, MeSH D003924, MONDO:0005148, OMIM 125853, HP:0005978.
Maturity-onset diabetes of the young (MODY). Also called: Maturity onset diabetes mellitus in young. Identifiers: Orphanet 552, MedGen C0342276, MONDO:0018911, HP:0004904.

Allele frequency attached by ClinVar (database versions not stated): ExAC 0.00001; gnomAD exomes 0.00001 and 0.00004; TOPMed 0.00002; gnomAD 0.00003.
gnomAD v4.1: 51 of 1,613,426 alleles (0.0032%); highest among the groups gnomAD compares: Non-Finnish European, 0.0042%; no homozygotes.

Submissions (4):

Fulgent Genetics
Classification: Uncertain significance for Type 2 diabetes mellitus; Renal cysts and diabetes syndrome; Nonpapillary renal cell carcinoma. Last evaluated: 2021-11-15. Review status: criteria provided, single submitter. Criteria: ACMG Guidelines, 2015. Collection method: clinical testing. Allele origin: unknown.

Illumina Laboratory Services, Illumina
Classification: Uncertain significance for Renal cysts and diabetes syndrome. Last evaluated: 2018-01-13. Review status: criteria provided, single submitter. Criteria: ICSL Variant Classification Criteria 13 December 2019. Collection method: clinical testing. Allele origin: germline.

Eurofins Ntd Llc (ga)
Classification: Uncertain significance. Last evaluated: 2016-08-25. Review status: criteria provided, single submitter. Criteria: EGL Classification Definitions 2015. Collection method: clinical testing. Allele origin: germline. Observed: 1 variant allele, 1 heterozygote.

Clinical Genomics, Uppaluri K&H Personalized Medicine Clinic
Classification: Likely risk allele for Maturity-onset diabetes of the young. Review status: flagged submission. Criteria: K & H Uppaluri Personalized Medicine Clinic Variant Classification & Assertion Criteria_Updated V.1. Collection method: research. Allele origin: unknown. Not counted in ClinVar's aggregate classification.
Comment: HNF1B gene mutations are associated with early onset diabetes and pancreatic atrophy. It is also associated with multiple renal manifestations including renal cysts, Tubulointerstitial disease, glomerulocystic disease, renal hypoplasia, hypomagnesemia. However no sufficient evidence is found to ascertain the role of this particular variant rs747110790 , yet.
ClinVar note: Notes: Lab calls the variant likely risk allele but says "no sufficient evidence is found to ascertain the role of this particular variant".
ClinVar note: Reason: Outlier claim with insufficient supporting evidence

Literature cited by the submitters: PubMed 24897035 (cited by Clinical Genomics, Uppaluri K&H Personalized Medicine Clinic); PubMed 25536396 (cited by Clinical Genomics, Uppaluri K&H Personalized Medicine Clinic); PubMed 27615128 (cited by Clinical Genomics, Uppaluri K&H Personalized Medicine Clinic); PubMed 28215227 (cited by Clinical Genomics, Uppaluri K&H Personalized Medicine Clinic); PubMed 33434175 (cited by Clinical Genomics, Uppaluri K&H Personalized Medicine Clinic); PubMed 25741167 (cited by Clinical Genomics, Uppaluri K&H Personalized Medicine Clinic); PubMed 26340261 (cited by Clinical Genomics, Uppaluri K&H Personalized Medicine Clinic); PubMed 19639018 (cited by Clinical Genomics, Uppaluri K&H Personalized Medicine Clinic).

NM_000458.4(HNF1B):c.1207A>T (p.Ile403Phe)

Gene: HNF1B (HNF1 homeobox B; minus strand). Cytogenetic location: 17q12.
Variant type: single nucleotide variant.
Coding change: c.1207A>T on transcript NM_000458.4 (MANE Select); coding-DNA position 1207, A replaced by T.
Protein change: p.Ile403Phe; replaces isoleucine 403 with phenylalanine.
Molecular consequence: missense variant.
Genome position (GRCh38, 1-based): chr17:37,705,049, T>A on the plus strand (A>T on the coding strand, the complement: HNF1B is on the minus strand). VCF-style: chr17-37705049-T-A. GRCh37 (hg19) VCF-style: chr17-36065056-T-A.
Other names: c.1129A>T, p.Ile377Phe (NM_001165923.4, NM_001304286.2); short protein forms I403F, I377F.
Identifiers: ClinVar variation 290901 (VCV000290901.11), dbSNP rs747110790, ClinGen allele CA8518862.